The following is an entry in ClinVar:

NM_000051.4(ATM):c.4691del (p.Pro1564fs)

Gene: ATM (ATM serine/threonine kinase; plus strand). Cytogenetic location: 11q22.3.
Variant type: Deletion.
Coding change: c.4691del on transcript NM_000051.4 (MANE Select); coding-DNA position 4691, one base deleted (C; older notation c.4691delC).
Protein change: p.Pro1564fs; shifts the reading frame from proline 1564.
Molecular consequence: frameshift variant.
Genome position (GRCh38, 1-based): chr11:108,293,392, C deleted; the last of 2 consecutive C bases (chr11:108,293,391-108,293,392); deleting either gives the same sequence. VCF-style (leftmost placement, unchanged base first): chr11-108293390-TC-T. GRCh37 (hg19) VCF-style: chr11-108164117-TC-T.
Other names: c.4691del, p.Pro1564fs (NM_001351834.2); short protein forms P1564fs.
Identifiers: ClinVar variation 2453949 (VCV002453949.2), dbSNP rs2546931272, ClinGen allele CA2580083409.

ClinVar aggregate classification (germline): Pathogenic. Review status: criteria provided, multiple submitters, no conflicts (2 of 4 stars). 2 submissions from 2 submitters: Pathogenic (2). Last evaluated 2024-01-24.

Conditions:
Hereditary cancer-predisposing syndrome. Also called: Neoplastic Syndromes, Hereditary; Hereditary neoplastic syndrome; Tumor predisposition; Hereditary Cancer Syndrome. Identifiers: Orphanet 140162, MedGen C0027672, MeSH D009386, MONDO:0015356.
Familial cancer of breast. Also called: BREAST CANCER, FAMILIAL; hereditary breast carcinoma; Hereditary breast cancer. Identifiers: Orphanet 227535, MedGen C0346153, MONDO:0016419, OMIM 114480. Disease mechanism: loss of function.

Submissions (2):

Myriad Genetics, Inc.
Classification: Pathogenic for Familial cancer of breast. Last evaluated: 2024-01-24. Review status: criteria provided, single submitter. Criteria: Myriad Autosomal Dominant, Autosomal Recessive and X-Linked Classification Criteria (2023). Collection method: clinical testing. Allele origin: unknown.
Comment: This variant is considered pathogenic. This variant creates a frameshift predicted to result in premature protein truncation.

Ambry Genetics
Classification: Pathogenic for Hereditary cancer-predisposing syndrome. Last evaluated: 2023-01-11. Review status: criteria provided, single submitter. Criteria: Ambry Variant Classification Scheme 2023. Collection method: clinical testing. Allele origin: germline.
Comment: The c.4691delC pathogenic mutation, located in coding exon 30 of the ATM gene, results from a deletion of one nucleotide at nucleotide position 4691, causing a translational frameshift with a predicted alternate stop codon (p.P1564Lfs*37). This alteration is expected to result in loss of function by premature protein truncation or nonsense-mediated mRNA decay. As such, this alteration is interpreted as a disease-causing mutation.